The following is an entry in ClinVar:

NM_000557.5(GDF5):c.519G>A (p.Met173Ile)

Gene: GDF5 (growth differentiation factor 5; minus strand). Cytogenetic location: 20q11.22.
Variant type: single nucleotide variant.
Coding change: c.519G>A on transcript NM_000557.5 (MANE Select); coding-DNA position 519, G replaced by A.
Protein change: p.Met173Ile; replaces methionine 173 with isoleucine.
Molecular consequence: missense variant.
Genome position (GRCh38, 1-based): chr20:35,437,410, C>T on the plus strand (G>A on the coding strand, the complement: GDF5 is on the minus strand). VCF-style: chr20-35437410-C-T. GRCh37 (hg19) VCF-style: chr20-34025190-C-T.
Other names: c.519G>A, p.Met173Ile (NM_001319138.2); c.519G>A (NM_000557.2); short protein forms M173I.
Identifiers: ClinVar variation 2143629 (VCV002143629.4), dbSNP rs770671300, ClinGen allele CA9832328.

ClinVar aggregate classification (germline): Uncertain significance. Review status: criteria provided, multiple submitters, no conflicts (2 of 4 stars). 3 submissions from 3 submitters: Uncertain significance (3). Last evaluated 2023-05-26.

Conditions:
Acromesomelic dysplasia 2C, Hunter-Thompson type. Also called: Acromesomelic dysplasia, Hunter-Thompson type. Identifiers: Orphanet 968, MedGen C2930970, MONDO:0008717, OMIM 201250.
Acromesomelic dysplasia 2B. Also called: DU PAN SYNDROME. Identifiers: Orphanet 2639, MedGen C1856738, MONDO:0009231, OMIM 228900.
Type A2 brachydactyly (BDA2). Also called: Brachymesophalangy type 2; MOHR-WRIEDT TYPE BRACHYDACTYLY; BRACHYMESOPHALANGY II. Identifiers: Orphanet 93396, MedGen C1832702, MONDO:0007216, OMIM 112600, HP:0009372.
Brachydactyly type C (BDC). Identifiers: Orphanet 93384, MedGen C1862103, MONDO:0007221, OMIM 113100, HP:0009373.
Multiple synostoses syndrome 2 (SYNS2). Identifiers: Orphanet 3237, MedGen C1832708, MONDO:0012394, OMIM 610017.
Brachydactyly type A1C. Also called: Brachydactyly, type a1, c. Identifiers: Orphanet 93388, MedGen C3554446, MONDO:0014032, OMIM 615072.
Grebe syndrome. Also called: ACROMESOMELIC DYSPLASIA 2A; GREBE DYSPLASIA; ACROMESOMELIC DYSPLASIA, GREBE TYPE. Identifiers: Orphanet 2098, MedGen C0265260, MONDO:0008703, OMIM 200700.
Symphalangism, proximal, 1B (SYM1B). Identifiers: Orphanet 3250, MedGen C3809104, MONDO:0014125, OMIM 615298.
Inborn genetic diseases. Identifiers: MedGen C0950123, MeSH D030342.

Allele frequency attached by ClinVar (database versions not stated): ExAC 0.00001; gnomAD 0.00001; TOPMed 0.00001; gnomAD exomes 0.00002.

Submissions (3):

Ambry Genetics
Classification: Uncertain significance for Inborn genetic diseases. Last evaluated: 2023-05-26. Review status: criteria provided, single submitter. Criteria: Ambry Variant Classification Scheme 2023. Collection method: clinical testing. Allele origin: germline.

Labcorp Genetics (formerly Invitae), Labcorp
Classification: Uncertain significance. Last evaluated: 2022-09-19. Review status: criteria provided, single submitter. Criteria: Invitae Variant Classification Sherloc (09022015). Collection method: clinical testing. Allele origin: germline.
Comment: This sequence change replaces methionine, which is neutral and non-polar, with isoleucine, which is neutral and non-polar, at codon 173 of the GDF5 protein (p.Met173Ile). This variant is present in population databases (rs770671300, gnomAD 0.002%). This variant has not been reported in the literature in individuals affected with GDF5-related conditions. Advanced modeling of protein sequence and biophysical properties (such as structural, functional, and spatial information, amino acid conservation, physicochemical variation, residue mobility, and thermodynamic stability) performed at Invitae indicates that this missense variant is not expected to disrupt GDF5 protein function. This variant disrupts the p.Met173 amino acid residue in GDF5. Other variant(s) that disrupt this residue have been observed in individuals with GDF5-related conditions (PMID: 14735582; Invitae), which suggests that this may be a clinically significant amino acid residue. In summary, the available evidence is currently insufficient to determine the role of this variant in disease. Therefore, it has been classified as a Variant of Uncertain Significance.

Department of Pathology and Laboratory Medicine, Sinai Health System
Classification: Uncertain significance for Type A2 brachydactyly; Brachydactyly type C; Grebe syndrome; Acromesomelic dysplasia 2C, Hunter-Thompson type; Acromesomelic dysplasia 2B; Multiple synostoses syndrome 2; Brachydactyly type A1C; Symphalangism, proximal, 1B. Last evaluated: 2021-09-16. Review status: criteria provided, single submitter. Criteria: ACMG Guidelines, 2015. Collection method: research. Allele origin: germline.

Literature cited by the submitters: PubMed 14735582 (cited by Labcorp Genetics (formerly Invitae), Labcorp).